The following is an entry in ClinVar:

ClinVar aggregate classification (germline): Uncertain significance (1 of 4 stars; one submission).

Conditions:
Inborn genetic diseases. Identifiers: MedGen C0950123, MeSH D030342.

Submission:

Ambry Genetics
Classification: Uncertain significance for Inborn genetic diseases. Last evaluated: 2022-07-02. Review status: criteria provided, single submitter. Criteria: Ambry Variant Classification Scheme 2023. Collection method: clinical testing. Allele origin: germline.
Comment: The p.W880C variant (also known as c.2640G>T), located in coding exon 17 of the PIK3CA gene, results from a G to T substitution at nucleotide position 2640. The tryptophan at codon 880 is replaced by cysteine, an amino acid with highly dissimilar properties. This amino acid position is conserved. In addition, this alteration is predicted to be deleterious by in silico analysis. Since supporting evidence is limited at this time, the clinical significance of this alteration remains unclear.

NM_006218.4(PIK3CA):c.2640G>T (p.Trp880Cys)

Gene: PIK3CA (phosphatidylinositol-4,5-bisphosphate 3-kinase catalytic subunit alpha; plus strand). Cytogenetic location: 3q26.32.
Variant type: single nucleotide variant.
Coding change: c.2640G>T on transcript NM_006218.4 (MANE Select); coding-DNA position 2640, G replaced by T.
Protein change: p.Trp880Cys; replaces tryptophan 880 with cysteine.
Molecular consequence: missense variant.
Genome position (GRCh38, 1-based): chr3:179,229,416, G>T. VCF-style: chr3-179229416-G-T. GRCh37 (hg19) VCF-style: chr3-178947204-G-T.
Other names: short protein forms W880C.
Identifiers: ClinVar variation 1794196 (VCV001794196.2), dbSNP rs2108423107, ClinGen allele CA355278818.